The following is an entry in ClinVar:

ClinVar aggregate classification (germline): Uncertain significance (1 of 4 stars; one submission).

Conditions:
Short-rib thoracic dysplasia 6 with or without polydactyly (SRTD6). Also called: POLYDACTYLY WITH NEONATAL CHONDRODYSTROPHY, TYPE II; Majewski Syndrome; SHORT RIB-POLYDACTYLY SYNDROME, TYPE IIA; SHORT-RIB THORACIC DYSPLASIA 6 WITH POLYDACTYLY; SHORT-RIB THORACIC DYSPLASIA 6 WITHOUT POLYDACTYLY. Identifiers: MedGen C0024507, MONDO:0009894, OMIM 263520.

Submission:

Labcorp Genetics (formerly Invitae), Labcorp
Classification: Uncertain significance for Short-rib thoracic dysplasia 6 with or without polydactyly. Last evaluated: 2022-02-24. Review status: criteria provided, single submitter. Criteria: Invitae Variant Classification Sherloc (09022015). Collection method: clinical testing. Allele origin: germline.
Comment: In summary, the available evidence is currently insufficient to determine the role of this variant in disease. Therefore, it has been classified as a Variant of Uncertain Significance. Advanced modeling of protein sequence and biophysical properties (such as structural, functional, and spatial information, amino acid conservation, physicochemical variation, residue mobility, and thermodynamic stability) performed at Invitae indicates that this missense variant is not expected to disrupt NEK1 protein function. This variant has not been reported in the literature in individuals affected with NEK1-related conditions. This variant is not present in population databases (gnomAD no frequency). This sequence change replaces serine, which is neutral and polar, with proline, which is neutral and non-polar, at codon 23 of the NEK1 protein (p.Ser23Pro).

NM_001199397.3(NEK1):c.67T>C (p.Ser23Pro)

Gene: NEK1 (NIMA related kinase 1; minus strand). Cytogenetic location: 4q33.
Variant type: single nucleotide variant.
Coding change: c.67T>C on transcript NM_001199397.3 (MANE Select); coding-DNA position 67, T replaced by C.
Protein change: p.Ser23Pro; replaces serine 23 with proline.
Molecular consequence: missense variant. On other transcripts: non-coding transcript variant (2).
Genome position (GRCh38, 1-based): chr4:169,602,564, A>G on the plus strand (T>C on the coding strand, the complement: NEK1 is on the minus strand). VCF-style: chr4-169602564-A-G. GRCh37 (hg19) VCF-style: chr4-170523715-A-G.
Other names: c.67T>C, p.Ser23Pro (NM_001199398.3, NM_001199399.3, NM_001199400.3 and 7 more transcripts); short protein forms S23P.
Identifiers: ClinVar variation 2065838 (VCV002065838.4), dbSNP rs2546985012, ClinGen allele CA358746124.